The following is an entry in ClinVar:

NM_024513.4(FYCO1):c.*654T>C

Gene: FYCO1 (FYVE and coiled-coil domain autophagy adaptor 1; minus strand). Cytogenetic location: 3p21.31.
Variant type: single nucleotide variant.
Coding change: c.*654T>C on transcript NM_024513.4 (MANE Select); 654 bases downstream of the stop codon, T replaced by C.
Molecular consequence: 3 prime UTR variant.
Genome position (GRCh38, 1-based): chr3:45,921,111, A>G on the plus strand (T>C on the coding strand, the complement: FYCO1 is on the minus strand). VCF-style: chr3-45921111-A-G. GRCh37 (hg19) VCF-style: chr3-45962603-A-G.
Identifiers: ClinVar variation 345482 (VCV000345482.6), dbSNP rs75928798, ClinGen allele CA10618700.
Genomic context (GRCh38, chr3:45,921,111, plus strand): 5'-GAGCTGTGGAGAGGTCTGGCTGAGTGAAGGGCTTTATTTGAGGACAGAATCACCCAGACA[A>G]AAGGGCCAGAAAGAGAGTGCAGCTTAGAGGCCCCTCCAACACTGCTGAGTTCTGGAGCAG-3'

ClinVar aggregate classification (germline): Benign. Review status: criteria provided, multiple submitters, no conflicts (2 of 4 stars). 2 submissions from 2 submitters: Benign (2). Last evaluated 2018-01-13.

Conditions:
Cataract 18 (CATC2). Also called: CATARACT 18, AUTOSOMAL RECESSIVE. Identifiers: Orphanet 91492, Orphanet 98991, Orphanet 98992, Orphanet 98995, MedGen C1864908, MONDO:0012395, OMIM 610019.

Allele frequency attached by ClinVar (database versions not stated): TOPMed 0.07157; gnomAD 0.07934; 1000 Genomes Project 30x 0.10275; 1000 Genomes Project 0.10563; gnomAD exomes 0.10596.
gnomAD v4.1: 14,339 of 161,296 alleles (8.9%); highest among the groups gnomAD compares: South Asian, 34%; 1,074 homozygotes.

Submissions (2):

Illumina Laboratory Services, Illumina
Classification: Benign for Cataract 18. Last evaluated: 2018-01-13. Review status: criteria provided, single submitter. Criteria: ICSL Variant Classification Criteria 13 December 2019. Collection method: clinical testing. Allele origin: germline.
Comment: This variant was observed in the ICSL laboratory as part of a predisposition screen in an ostensibly healthy population. It had not been previously curated by ICSL or reported in the Human Gene Mutation Database (HGMD: prior to June 1st, 2018), and was therefore a candidate for classification through an automated scoring system. Utilizing variant allele frequency, disease prevalence and penetrance estimates, and inheritance mode, an automated score was calculated to assess if this variant is too frequent to cause the disease. Based on the score and internal cut-off values, a variant classified as benign is not then subjected to further curation. The score for this variant resulted in a classification of benign for this disease.

Breakthrough Genomics
Classification: Benign. Review status: criteria provided, single submitter. Criteria: ACMG Guidelines, 2015. Collection method: not provided. Allele origin: germline. Inheritance: Autosomal recessive inheritance. Affected: yes.